The following is an entry in ClinVar:

ClinVar aggregate classification (germline): Likely pathogenic (1 of 4 stars; one submission).

Conditions:
RASA1-related disorder. Also called: RASA1-related condition.

Submission:

PreventionGenetics, part of Exact Sciences
Classification: Likely pathogenic for RASA1-related condition. Last evaluated: 2023-07-11. Review status: criteria provided, single submitter. Criteria: ACMG Guidelines, 2015. Collection method: clinical testing. Allele origin: germline.
Comment: The RASA1 c.3073_3082del10 variant is predicted to result in a frameshift and premature protein termination (p.Lys1025Leufs*2). This variant occurs within the terminal exon of RASA1; however, a downstream frameshift variant leading to a stop loss (p.Gln1037Thrfs*63) has been reported in patient with capillary malformation-arteriovenous malformation (Revencu et al. 2013. PubMed ID: 24038909). To our knowledge, this variant has not been reported in the literature or in a large population database, indicating this variant is rare. Frameshift variants in RASA1 are expected to be pathogenic. This variant is interpreted as likely pathogenic.

NM_002890.3(RASA1):c.3073_3082del (p.Lys1025fs)

Genes: CCNH (cyclin H; minus strand), RASA1 (RAS p21 protein activator 1; plus strand). Cytogenetic location: 5q14.3.
Variant type: Deletion.
Coding change: c.3073_3082del on transcript NM_002890.3 (MANE Select); coding-DNA positions 3073 to 3082, 10 bases deleted (AAGCTTCTGG; older notation c.3073_3082delAAGCTTCTGG).
Protein change: p.Lys1025fs; shifts the reading frame from lysine 1025.
Molecular consequence: frameshift variant. On other transcripts: 3 prime UTR variant (2), non-coding transcript variant (1), intron variant (1).
Genome position (GRCh38, 1-based): chr5:87,390,812-87,390,821, AAGCTTCTGG deleted. VCF-style (leftmost placement, unchanged base first): chr5-87390811-AAAGCTTCTGG-A. GRCh37 (hg19) VCF-style: chr5-86686628-AAAGCTTCTGG-A.
Other names: c.2542_2551del, p.Lys848fs (NM_022650.3); c.*2039_*2048del (NM_001363539.2, NM_001364076.2); c.933+4223_933+4232del (NM_001364075.2); short protein forms K1025fs, K848fs.
Identifiers: ClinVar variation 2631455 (VCV002631455.1), dbSNP rs2531404825, ClinGen allele CA2695198689.